The following is an entry in ClinVar:

NM_005591.4(MRE11):c.442G>A (p.Gly148Arg)

Gene: MRE11 (MRE11 double strand break repair nuclease; minus strand). Cytogenetic location: 11q21.
Variant type: single nucleotide variant.
Coding change: c.442G>A on transcript NM_005591.4 (MANE Select); coding-DNA position 442, G replaced by A.
Protein change: p.Gly148Arg; replaces glycine 148 with arginine.
Molecular consequence: missense variant.
Genome position (GRCh38, 1-based): chr11:94,478,837, C>T on the plus strand (G>A on the coding strand, the complement: MRE11 is on the minus strand). VCF-style: chr11-94478837-C-T. GRCh37 (hg19) VCF-style: chr11-94212003-C-T.
Other names: c.442G>A, p.Gly148Arg (NM_001330347.2, NM_005590.4); short protein forms G148R.
Identifiers: ClinVar variation 1800415 (VCV001800415.2), dbSNP rs2496556898, ClinGen allele CA382377662.

ClinVar aggregate classification (germline): Uncertain significance (1 of 4 stars; one submission).

Conditions:
Hereditary cancer-predisposing syndrome. Also called: Neoplastic Syndromes, Hereditary; Tumor predisposition; Hereditary Cancer Syndrome; Hereditary neoplastic syndrome. Identifiers: Orphanet 140162, MedGen C0027672, MeSH D009386, MONDO:0015356.

Submission:

Ambry Genetics
Classification: Uncertain significance for Hereditary cancer-predisposing syndrome. Last evaluated: 2019-12-27. Review status: criteria provided, single submitter. Criteria: Ambry Variant Classification Scheme 2023. Collection method: clinical testing. Allele origin: germline.
Comment: The p.G148R variant (also known as c.442G>A), located in coding exon 5 of the MRE11A gene, results from a G to A substitution at nucleotide position 442. The glycine at codon 148 is replaced by arginine, an amino acid with dissimilar properties. This amino acid position is highly conserved in available vertebrate species. In addition, this alteration is predicted to be deleterious by in silico analysis. Since supporting evidence is limited at this time, the clinical significance of this alteration remains unclear.